The following is an entry in ClinVar:

NC_000007.13:g.(?_106897157)_(106938811_?)del

Gene: COG5 (component of oligomeric golgi complex 5; minus strand). Cytogenetic location: 7q22.3.
Variant type: Deletion.
Identifiers: ClinVar variation 1456195 (VCV001456195.4).

ClinVar aggregate classification (germline): Pathogenic (1 of 4 stars; one submission).

Conditions:
COG5-congenital disorder of glycosylation. Also called: COG5-CDG; CONGENITAL DISORDER OF GLYCOSYLATION, TYPE IIi; CDG IIi. Identifiers: Orphanet 263487, MedGen C3150876, MONDO:0013325, OMIM 613612.

Submission:

Labcorp Genetics (formerly Invitae), Labcorp
Classification: Pathogenic for COG5-congenital disorder of glycosylation. Last evaluated: 2021-09-11. Review status: criteria provided, single submitter. Criteria: Invitae Variant Classification Sherloc (09022015). Collection method: clinical testing. Allele origin: germline.
Comment: For these reasons, this variant has been classified as Pathogenic. This variant has not been reported in the literature in individuals affected with COG5-related conditions. This variant is a gross deletion of the genomic region encompassing exon(s) 12-16 of the COG5 gene. This deletion is out-of-frame, and is expected to create a premature termination codon and result in an absent or disrupted protein product. Loss-of-function variants in COG5 are known to be pathogenic (PMID: 23228021).

Literature cited by the submitters: PubMed 23228021.